The following is an entry in ClinVar:

NM_199242.3(UNC13D):c.491C>T (p.Thr164Ile)

Gene: UNC13D (unc-13 homolog D; minus strand). Cytogenetic location: 17q25.1.
Variant type: single nucleotide variant.
Coding change: c.491C>T on transcript NM_199242.3 (MANE Select); coding-DNA position 491, C replaced by T.
Protein change: p.Thr164Ile; replaces threonine 164 with isoleucine.
Molecular consequence: missense variant.
Genome position (GRCh38, 1-based): chr17:75,842,511, G>A on the plus strand (C>T on the coding strand, the complement: UNC13D is on the minus strand). VCF-style: chr17-75842511-G-A. GRCh37 (hg19) VCF-style: chr17-73838592-G-A.
Other names: short protein forms T164I.
Identifiers: ClinVar variation 2122986 (VCV002122986.2), dbSNP rs1316297114, ClinGen allele CA401114132.

ClinVar aggregate classification (germline): Uncertain significance (1 of 4 stars; one submission).

Conditions:
Familial hemophagocytic lymphohistiocytosis 3 (FHL3). Also called: UNC13D-Related Familial Hemophagocytic Lymphohistiocytosis (UNC13D-fHLH). Identifiers: Orphanet 540, MedGen C1837174, MONDO:0012146, OMIM 608898.

Allele frequency attached by ClinVar (database versions not stated): gnomAD exomes below 0.00001.
gnomAD v4.1: 1 of 1,613,284 alleles (0.000062%); highest among the groups gnomAD compares: Admixed American, 0.0017%; no homozygotes.

Submission:

Labcorp Genetics (formerly Invitae), Labcorp
Classification: Uncertain significance for Familial hemophagocytic lymphohistiocytosis 3. Last evaluated: 2022-04-21. Review status: criteria provided, single submitter. Criteria: Invitae Variant Classification Sherloc (09022015). Collection method: clinical testing. Allele origin: germline.
Comment: This sequence change replaces threonine, which is neutral and polar, with isoleucine, which is neutral and non-polar, at codon 164 of the UNC13D protein (p.Thr164Ile). This variant is not present in population databases (gnomAD no frequency). This variant has not been reported in the literature in individuals affected with UNC13D-related conditions. Algorithms developed to predict the effect of missense changes on protein structure and function are either unavailable or do not agree on the potential impact of this missense change (SIFT: "Not Available"; PolyPhen-2: "Possibly Damaging"; Align-GVGD: "Not Available"). In summary, the available evidence is currently insufficient to determine the role of this variant in disease. Therefore, it has been classified as a Variant of Uncertain Significance.